The following is an entry in ClinVar:

ClinVar aggregate classification (germline): Pathogenic. Review status: criteria provided, single submitter (1 of 4 stars). 2 submissions from 2 submitters: Pathogenic (1). 1 of the submissions does not count toward it. Last evaluated 2016-10-31.

Allele frequency attached by ClinVar (database versions not stated): gnomAD exomes below 0.00001 and 0.00001; TOPMed below 0.00001; gnomAD 0.00001; ExAC 0.00002.
gnomAD v4.1: 4 of 1,609,198 alleles (0.00025%); highest among the groups gnomAD compares: East Asian, 0.0022%; no homozygotes.

Submissions (2):

GeneDx
Classification: Pathogenic. Last evaluated: 2016-10-31. Review status: criteria provided, single submitter. Criteria: GeneDx Variant Classification (06012015). Collection method: clinical testing. Allele origin: germline. Affected: yes.
Comment: The c.343+1 G>A pathogenic variant has been reported in association with osteogenesis imperfecta (Pyott et al., 2011). The c.343+1 G>A variant was not observed in approximately 6500 individuals of European and African American ancestry in the NHLBI Exome Sequencing Project, indicating it is not a common benign variant in these populations. This pathogenic variant destroys the canonical splice donor site in intron 3 and functional studies indicate c.343+1 G>A produces two abnormal mRNA splicing species predicted to lead to abnormal truncated protein or nonsense mediated decay of the mRNA (Pyott et al., 2011).

Osteogenesis Imperfecta Variant Database (PPIB)
No classification provided. Last evaluated: 2011-02-17. Review status: no classification provided. Collection method: curation. Allele origin: unknown. Not counted in ClinVar's aggregate classification.

NM_000942.5(PPIB):c.343+1G>A

Gene: PPIB (peptidylprolyl isomerase B; minus strand). Cytogenetic location: 15q22.31.
Variant type: single nucleotide variant.
Coding change: c.343+1G>A on transcript NM_000942.5 (MANE Select); the canonical splice donor site of the intron after coding-DNA position 343, G replaced by A.
Molecular consequence: splice donor variant.
Genome position (GRCh38, 1-based): chr15:64,160,103, C>T on the plus strand (G>A on the coding strand, the complement: PPIB is on the minus strand). VCF-style: chr15-64160103-C-T. GRCh37 (hg19) VCF-style: chr15-64452302-C-T.
Identifiers: ClinVar variation 31845 (VCV000031845.3), dbSNP rs137853867, ClinGen allele CA215395.
Genomic context (GRCh38, chr15:64,160,103, plus strand): 5'-TGGCCCTCCCACTGTGGAGGCTACACTGACATACTCCTTGGCCCAGAGGACCTGTGGTTA[C>T]CTCCTGTGCCATCTCCCCTGGTGAAGTCTCCGCCCTGGATCATGAAGTCCTTGATTACAC-3'